The following is an entry in ClinVar:

NM_003865.3(HESX1):c.373_374delinsGG (p.Asn125Gly)

Gene: HESX1 (HESX homeobox 1; minus strand). Cytogenetic location: 3p14.3.
Variant type: Indel.
Coding change: c.373_374delinsGG on transcript NM_003865.3 (MANE Select); coding-DNA positions 373 to 374, AA replaced by GG.
Protein change: p.Asn125Gly; replaces asparagine 125 with glycine.
Molecular consequence: missense variant. On other transcripts: non-coding transcript variant (1).
Genome position (GRCh38, 1-based): chr3:57,198,476-57,198,477, TT replaced by CC on the plus strand (AA replaced by GG on the coding strand, the reverse complement: HESX1 is on the minus strand). VCF-style: chr3-57198476-TT-CC. GRCh37 (hg19) VCF-style: chr3-57232504-TT-CC.
Other names: c.373_374delinsGG, p.Asn125Gly (NM_001376058.1, NM_001376059.1, NM_001376060.1 and 1 more transcripts); c.373_374delinsGG (NM_003865.2); short protein forms N125G.
Identifiers: ClinVar variation 1512680 (VCV001512680.6), dbSNP rs2107564081, ClinGen allele CA2573137389.
Genomic context (GRCh38, chr3:57,198,476, plus strand): 5'-AATTTTTGAGCTAAGTCTTCTCTAATATCGATACCAGGATAGCAGTTTACTCTAAAGACA[TT>CC]TTCTAACACTTCAATCTAAGAAAAAAAAATGTTGATATTCAGTATGTCTCCAAAAATGAG-3'
Protein context (NP_003856.1, residues 115-135): FTQNQIEVLE[Asn125Gly]VFRVNCYPGI

ClinVar aggregate classification (germline): Uncertain significance. Review status: criteria provided, multiple submitters, no conflicts (2 of 4 stars). 2 submissions from 2 submitters: Uncertain significance (2). Last evaluated 2023-05-22.

Conditions:
Septo-optic dysplasia sequence (SOD). Also called: DE MORSIER SYNDROME; Septo-optic dysplasia. Identifiers: Orphanet 3157, MedGen C0338503, MONDO:0008428, OMIM 182230, HP:0100842.
GROWTH HORMONE DEFICIENCY WITH PITUITARY ANOMALIES. Identifiers: MedGen C2750027, OMIM 182230.

Submissions (2):

Labcorp Genetics (formerly Invitae), Labcorp
Classification: Uncertain significance for GROWTH HORMONE DEFICIENCY WITH PITUITARY ANOMALIES; Septo-optic dysplasia sequence. Last evaluated: 2023-05-22. Review status: criteria provided, single submitter. Criteria: Invitae Variant Classification Sherloc (09022015). Collection method: clinical testing. Allele origin: germline.
Comment: In summary, the available evidence is currently insufficient to determine the role of this variant in disease. Therefore, it has been classified as a Variant of Uncertain Significance. An algorithm developed to predict the effect of missense changes on protein structure and function (PolyPhen-2) suggests that this variant is likely to be tolerated. ClinVar contains an entry for this variant (Variation ID: 1512680). This variant has not been reported in the literature in individuals affected with HESX1-related conditions. The frequency data for this variant in the population databases is considered unreliable, as metrics indicate poor data quality at this position in the gnomAD database. This sequence change replaces asparagine with glycine at codon 125 of the HESX1 protein (p.Asn125Gly). The asparagine residue is highly conserved and there is a moderate physicochemical difference between asparagine and glycine.

GeneDx
Classification: Uncertain significance. Last evaluated: 2022-12-12. Review status: criteria provided, single submitter. Criteria: GeneDx Variant Classification Process June 2021. Collection method: clinical testing. Allele origin: germline. Affected: yes.
Comment: In silico analysis supports a deleterious effect on protein structure/function; Has not been previously published as pathogenic or benign to our knowledge